The following is an entry in ClinVar:

NM_003673.4(TCAP):c.389G>C (p.Arg130Pro)

Gene: TCAP (titin-cap; plus strand). Cytogenetic location: 17q12.
Variant type: single nucleotide variant.
Coding change: c.389G>C on transcript NM_003673.4 (MANE Select); coding-DNA position 389, G replaced by C.
Protein change: p.Arg130Pro; replaces arginine 130 with proline.
Molecular consequence: missense variant.
Genome position (GRCh38, 1-based): chr17:39,665,994, G>C. VCF-style: chr17-39665994-G-C. GRCh37 (hg19) VCF-style: chr17-37822247-G-C.
Other names: short protein forms R130P.
Identifiers: ClinVar variation 464949 (VCV000464949.9), dbSNP rs147503632, ClinGen allele CA399305492.

ClinVar aggregate classification (germline): Uncertain significance (1 of 4 stars; one submission).

Conditions:
Primary familial hypertrophic cardiomyopathy (HCM). Identifiers: Orphanet 99739, MedGen C0949658, MeSH D024741, MONDO:0024573. Inheritance: Various modes of inheritance.
Hypertrophic cardiomyopathy 25 (CMH25). Also called: CARDIOMYOPATHY, FAMILIAL HYPERTROPHIC, 25. Identifiers: MedGen C4225408, MONDO:0011843, OMIM 607487.

Submission:

Labcorp Genetics (formerly Invitae), Labcorp
Classification: Uncertain significance for Hypertrophic cardiomyopathy 25; Primary familial hypertrophic cardiomyopathy. Last evaluated: 2017-07-25. Review status: criteria provided, single submitter. Criteria: Invitae Variant Classification Sherloc (09022015). Collection method: clinical testing. Allele origin: germline.
Comment: In summary, the available evidence is currently insufficient to determine the role of this variant in disease. Therefore, it has been classified as a Variant of Uncertain Significance. Algorithms developed to predict the effect of missense changes on protein structure and function (SIFT, PolyPhen-2, Align-GVGD) all suggest that this variant is likely to be disruptive, but these predictions have not been confirmed by published functional studies and their clinical significance is uncertain. This variant has not been reported in the literature in individuals with TCAP-related disease. This variant is not present in population databases (ExAC no frequency). This sequence change replaces arginine with proline at codon 130 of the TCAP protein (p.Arg130Pro). The arginine residue is moderately conserved and there is a moderate physicochemical difference between arginine and proline.